The following is an entry in ClinVar:

ClinVar aggregate classification (germline): Uncertain significance. Review status: criteria provided, multiple submitters, no conflicts (2 of 4 stars). 2 submissions from 2 submitters: Uncertain significance (2). Last evaluated 2025-12-15.

Conditions:
Inborn genetic diseases. Identifiers: MedGen C0950123, MeSH D030342.

Allele frequency attached by ClinVar (database versions not stated): ExAC 0.00002; gnomAD exomes 0.00003; gnomAD 0.00005; TOPMed 0.00005.
gnomAD v4.1: 57 of 1,614,008 alleles (0.0035%); highest among the groups gnomAD compares: Middle Eastern, 0.049%; no homozygotes.

Submissions (2):

Ambry Genetics
Classification: Uncertain significance for Inborn genetic diseases. Last evaluated: 2025-12-15. Review status: criteria provided, single submitter. Criteria: Ambry Variant Classification Scheme 2023. Collection method: clinical testing. Allele origin: germline.

Labcorp Genetics (formerly Invitae), Labcorp
Classification: Uncertain significance. Last evaluated: 2023-03-08. Review status: criteria provided, single submitter. Criteria: Invitae Variant Classification Sherloc (09022015). Collection method: clinical testing. Allele origin: germline.
Comment: This sequence change replaces threonine, which is neutral and polar, with alanine, which is neutral and non-polar, at codon 678 of the PRMT7 protein (p.Thr678Ala). In summary, the available evidence is currently insufficient to determine the role of this variant in disease. Therefore, it has been classified as a Variant of Uncertain Significance. Algorithms developed to predict the effect of missense changes on protein structure and function output the following: SIFT: "Not Available"; PolyPhen-2: "Benign"; Align-GVGD: "Not Available". The alanine amino acid residue is found in multiple mammalian species, which suggests that this missense change does not adversely affect protein function. This variant has not been reported in the literature in individuals affected with PRMT7-related conditions. This variant is present in population databases (rs769102361, gnomAD 0.03%).

NM_019023.5(PRMT7):c.2032A>G (p.Thr678Ala)

Gene: PRMT7 (protein arginine methyltransferase 7; plus strand). Cytogenetic location: 16q22.1.
Variant type: single nucleotide variant.
Coding change: c.2032A>G on transcript NM_019023.5 (MANE Select); coding-DNA position 2032, A replaced by G.
Protein change: p.Thr678Ala; replaces threonine 678 with alanine.
Molecular consequence: missense variant. On other transcripts: non-coding transcript variant (12).
Genome position (GRCh38, 1-based): chr16:68,357,177, A>G. VCF-style: chr16-68357177-A-G. GRCh37 (hg19) VCF-style: chr16-68391080-A-G.
Other names: c.1882A>G, p.Thr628Ala (NM_001184824.4); c.2032A>G, p.Thr678Ala (NM_001290018.2, NM_001351143.3, NM_001378018.1); c.2035A>G, p.Thr679Ala (NM_001351144.3); c.1825A>G, p.Thr609Ala (NM_001378020.1); c.1795A>G, p.Thr599Ala (NM_001378021.1, NM_001378022.1, NM_001378023.1); short protein forms T628A, T599A, T609A, T679A, T678A.
Identifiers: ClinVar variation 2595636 (VCV002595636.4), dbSNP rs769102361, ClinGen allele CA8127736.